The following is an entry in ClinVar:

ClinVar aggregate classification (germline): Pathogenic (1 of 4 stars; one submission).

Conditions:
Multiple congenital anomalies-hypotonia-seizures syndrome 1 (MCAHS1). Also called: GLYCOSYLPHOSPHATIDYLINOSITOL BIOSYNTHESIS DEFECT 3; PIGN-CDG; Congenital disorder of glycosylation due to PIGN deficiency. Identifiers: Orphanet 280633, MedGen C3279775, MONDO:0013563, OMIM 614080.

Submission:

Labcorp Genetics (formerly Invitae), Labcorp
Classification: Pathogenic for Multiple congenital anomalies-hypotonia-seizures syndrome 1. Last evaluated: 2021-12-02. Review status: criteria provided, single submitter. Criteria: Invitae Variant Classification Sherloc (09022015). Collection method: clinical testing. Allele origin: germline.
Comment: This variant is not present in population databases (gnomAD no frequency). This sequence change creates a premature translational stop signal (p.Asn75Glufs*6) in the PIGN gene. It is expected to result in an absent or disrupted protein product. Loss-of-function variants in PIGN are known to be pathogenic (PMID: 24253414, 27038415). This variant has not been reported in the literature in individuals affected with PIGN-related conditions. For these reasons, this variant has been classified as Pathogenic.

Literature cited by the submitters: PubMed 24253414; PubMed 27038415.

NM_176787.5(PIGN):c.221+1dup

Gene: PIGN (phosphatidylinositol glycan anchor biosynthesis class N; minus strand). Cytogenetic location: 18q21.33.
Variant type: Duplication.
Coding change: c.221+1dup on transcript NM_176787.5 (MANE Select); the canonical splice donor site of the intron after coding-DNA position 221, one base duplicated (G; older notation c.221+1dupG).
Molecular consequence: splice donor variant.
Genome position (GRCh38, 1-based): chr18:62,161,132, C duplicated on the plus strand (G on the coding strand, the reverse complement: PIGN is on the minus strand); the first of 2 consecutive C bases (chr18:62,161,132-62,161,133); duplicating either gives the same sequence. VCF-style (leftmost placement, unchanged base first): chr18-62161131-A-AC. GRCh37 (hg19) VCF-style: chr18-59828364-A-AC.
Other names: c.221+1dup (NM_012327.6).
Identifiers: ClinVar variation 1452539 (VCV001452539.6), dbSNP rs2147616335, ClinGen allele CA2573155493.